The following is an entry in ClinVar:

ClinVar aggregate classification (germline): Uncertain significance. Review status: criteria provided, multiple submitters, no conflicts (2 of 4 stars). 2 submissions from 2 submitters: Uncertain significance (2). Last evaluated 2024-11-07.

Conditions:
Inborn genetic diseases. Identifiers: MedGen C0950123, MeSH D030342.
Trichorhinophalangeal dysplasia type I (TRPS1). Also called: TRICHORHINOPHALANGEAL SYNDROME, TYPE I; TRPS I. Identifiers: Orphanet 77258, MedGen C0432233, MONDO:0008596, OMIM 190350.
Trichorhinophalangeal syndrome, type III (TRPS3). Also called: SUGIO-KAJII SYNDROME. Identifiers: Orphanet 77258, MedGen C1860823, OMIM 190351, MONDO:0008597.

Allele frequency attached by ClinVar (database versions not stated): gnomAD exomes 0.00002; ExAC 0.00004; TOPMed 0.00005.
gnomAD v4.1: 40 of 1,613,720 alleles (0.0025%); highest among the groups gnomAD compares: Middle Eastern, 0.049%; no homozygotes.

Submissions (2):

Labcorp Genetics (formerly Invitae), Labcorp
Classification: Uncertain significance for Trichorhinophalangeal syndrome, type III; Trichorhinophalangeal dysplasia type I. Last evaluated: 2024-11-07. Review status: criteria provided, single submitter. Criteria: Invitae Variant Classification Sherloc (09022015). Collection method: clinical testing. Allele origin: germline.
Comment: This sequence change replaces arginine, which is basic and polar, with glutamine, which is neutral and polar, at codon 1125 of the TRPS1 protein (p.Arg1125Gln). This variant is present in population databases (rs773593651, gnomAD 0.006%). This variant has not been reported in the literature in individuals affected with TRPS1-related conditions. ClinVar contains an entry for this variant (Variation ID: 2947968). Invitae Evidence Modeling of protein sequence and biophysical properties (such as structural, functional, and spatial information, amino acid conservation, physicochemical variation, residue mobility, and thermodynamic stability) indicates that this missense variant is expected to disrupt TRPS1 protein function with a positive predictive value of 80%. In summary, the available evidence is currently insufficient to determine the role of this variant in disease. Therefore, it has been classified as a Variant of Uncertain Significance.

Ambry Genetics
Classification: Uncertain significance for Inborn genetic diseases. Last evaluated: 2024-08-19. Review status: criteria provided, single submitter. Criteria: Ambry Variant Classification Scheme 2023. Collection method: clinical testing. Allele origin: germline.

NM_014112.5(TRPS1):c.3374G>A (p.Arg1125Gln)

Gene: TRPS1 (transcriptional repressor GATA binding 1; minus strand). Cytogenetic location: 8q23.3.
Variant type: single nucleotide variant.
Coding change: c.3374G>A on transcript NM_014112.5 (MANE Select); coding-DNA position 3374, G replaced by A.
Protein change: p.Arg1125Gln; replaces arginine 1125 with glutamine.
Molecular consequence: missense variant.
Genome position (GRCh38, 1-based): chr8:115,414,534, C>T on the plus strand (G>A on the coding strand, the complement: TRPS1 is on the minus strand). VCF-style: chr8-115414534-C-T. GRCh37 (hg19) VCF-style: chr8-116426762-C-T.
Other names: c.3374G>A (NM_014112.2); c.3347G>A, p.Arg1116Gln (NM_001282902.3); c.3353G>A, p.Arg1118Gln (NM_001282903.3); c.3335G>A, p.Arg1112Gln (NM_001330599.2); short protein forms R1112Q, R1118Q, R1116Q, R1125Q.
Identifiers: ClinVar variation 2947968 (VCV002947968.4), dbSNP rs773593651, ClinGen allele CA4851495.